The following is an entry in ClinVar:

ClinVar aggregate classification (germline): Uncertain significance (1 of 4 stars; one submission).

Allele frequency attached by ClinVar (database versions not stated): 1000 Genomes Project 0.00020; 1000 Genomes Project 30x 0.00031.
gnomAD v4.1: 9 of 1,613,728 alleles (0.00056%); highest among the groups gnomAD compares: East Asian, 0.016%; no homozygotes.

Submission:

Labcorp Genetics (formerly Invitae), Labcorp
Classification: Uncertain significance. Last evaluated: 2025-06-23. Review status: criteria provided, single submitter. Criteria: Invitae Variant Classification Sherloc (09022015). Collection method: clinical testing. Allele origin: germline.
Comment: This sequence change replaces alanine, which is neutral and non-polar, with proline, which is neutral and non-polar, at codon 411 of the CEP152 protein (p.Ala411Pro). This variant is present in population databases (rs188488086, gnomAD 0.04%). This variant has not been reported in the literature in individuals affected with CEP152-related conditions. ClinVar contains an entry for this variant (Variation ID: 1374790). Invitae Evidence Modeling of protein sequence and biophysical properties (such as structural, functional, and spatial information, amino acid conservation, physicochemical variation, residue mobility, and thermodynamic stability) indicates that this missense variant is not expected to disrupt CEP152 protein function with a negative predictive value of 80%. In summary, the available evidence is currently insufficient to determine the role of this variant in disease. Therefore, it has been classified as a Variant of Uncertain Significance.

NM_001194998.2(CEP152):c.1231G>C (p.Ala411Pro)

Gene: CEP152 (centrosomal protein 152; minus strand). Cytogenetic location: 15q21.1.
Variant type: single nucleotide variant.
Coding change: c.1231G>C on transcript NM_001194998.2 (MANE Select); coding-DNA position 1231, G replaced by C.
Protein change: p.Ala411Pro; replaces alanine 411 with proline.
Molecular consequence: missense variant.
Genome position (GRCh38, 1-based): chr15:48,784,063, C>G on the plus strand (G>C on the coding strand, the complement: CEP152 is on the minus strand). VCF-style: chr15-48784063-C-G. GRCh37 (hg19) VCF-style: chr15-49076260-C-G.
Other names: c.1231G>C, p.Ala411Pro (NM_014985.4); short protein forms A411P.
Identifiers: ClinVar variation 1374790 (VCV001374790.7), dbSNP rs188488086, ClinGen allele CA7548901.